The following is an entry in ClinVar:

ClinVar aggregate classification (germline): Uncertain significance (1 of 4 stars; one submission).

Allele frequency attached by ClinVar (database versions not stated): gnomAD exomes below 0.00001; ExAC 0.00002.
gnomAD v4.1: 4 of 1,614,068 alleles (0.00025%); highest among the groups gnomAD compares: East Asian, 0.0045%; no homozygotes.

Submission:

Labcorp Genetics (formerly Invitae), Labcorp
Classification: Uncertain significance. Last evaluated: 2022-04-04. Review status: criteria provided, single submitter. Criteria: Invitae Variant Classification Sherloc (09022015). Collection method: clinical testing. Allele origin: germline.
Comment: In summary, the available evidence is currently insufficient to determine the role of this variant in disease. Therefore, it has been classified as a Variant of Uncertain Significance. Algorithms developed to predict the effect of missense changes on protein structure and function (SIFT, PolyPhen-2, Align-GVGD) all suggest that this variant is likely to be disruptive. This variant has not been reported in the literature in individuals affected with SRP72-related conditions. This variant is present in population databases (rs770391551, gnomAD 0.01%). This sequence change replaces tyrosine, which is neutral and polar, with histidine, which is basic and polar, at codon 249 of the SRP72 protein (p.Tyr249His).

NM_006947.4(SRP72):c.745T>C (p.Tyr249His)

Gene: SRP72 (signal recognition particle 72; plus strand). Cytogenetic location: 4q12.
Variant type: single nucleotide variant.
Coding change: c.745T>C on transcript NM_006947.4 (MANE Select); coding-DNA position 745, T replaced by C.
Protein change: p.Tyr249His; replaces tyrosine 249 with histidine.
Molecular consequence: missense variant. On other transcripts: non-coding transcript variant (1), intron variant (1).
Genome position (GRCh38, 1-based): chr4:56,478,481, T>C. VCF-style: chr4-56478481-T-C. GRCh37 (hg19) VCF-style: chr4-57344647-T-C.
Other names: c.642+1779T>C (NM_001267722.2); short protein forms Y249H.
Identifiers: ClinVar variation 2121343 (VCV002121343.4), dbSNP rs770391551, ClinGen allele CA2931162.